The following is an entry in ClinVar:

NM_000368.5(TSC1):c.3434C>T (p.Pro1145Leu)

Gene: TSC1 (TSC complex subunit 1; minus strand). Cytogenetic location: 9q34.13.
Variant type: single nucleotide variant.
Coding change: c.3434C>T on transcript NM_000368.5 (MANE Select); coding-DNA position 3434, C replaced by T.
Protein change: p.Pro1145Leu; replaces proline 1145 with leucine.
Molecular consequence: missense variant.
Genome position (GRCh38, 1-based): chr9:132,896,296, G>A on the plus strand (C>T on the coding strand, the complement: TSC1 is on the minus strand). VCF-style: chr9-132896296-G-A. GRCh37 (hg19) VCF-style: chr9-135771683-G-A.
Other names: c.3431C>T, p.Pro1144Leu (NM_001162426.2); c.3281C>T, p.Pro1094Leu (NM_001162427.2); c.3071C>T, p.Pro1024Leu (NM_001362177.2); short protein forms P1145L, P1094L, P1024L, P1144L.
Identifiers: ClinVar variation 534453 (VCV000534453.20), dbSNP rs767904247, ClinGen allele CA037070.
Genomic context (GRCh38, chr9:132,896,296, plus strand): 5'-TAGCTGTGTTCATGATGAGTCTCATTGTAGTCCATGATATGTAGCTGTCCAACACTGTCC[G>A]GGGTCGGGGGAGACGGGTGAGGGCCATCTAGGTTCAGGGGAATCTTGGCTTCCACACCCA-3'
Protein context (NP_000359.1, residues 1135-1155): LDGPHPSPPT[Pro1145Leu]DSVGQLHIMD

ClinVar aggregate classification (germline): Conflicting classifications of pathogenicity. Review status: criteria provided, conflicting classifications (1 of 4 stars). 5 submissions from 5 submitters: Uncertain significance (3); Benign (1); Likely benign (1). Last evaluated 2026-07-30.

Conditions:
Tuberous sclerosis syndrome (TSC). Also called: Tuberous Sclerosis Complex; Tuberous sclerosis. Identifiers: Orphanet 805, MedGen C0041341, MONDO:0001734.
Hereditary cancer-predisposing syndrome. Also called: Hereditary Cancer Syndrome; Tumor predisposition; Hereditary neoplastic syndrome; Neoplastic Syndromes, Hereditary. Identifiers: Orphanet 140162, MedGen C0027672, MeSH D009386, MONDO:0015356.
Tuberous sclerosis 1 (TSC1). Identifiers: Orphanet 805, MedGen C1854465, MONDO:0008612, OMIM 191100.

Allele frequency attached by ClinVar (database versions not stated): ExAC 0.00001; gnomAD exomes 0.00001; TOPMed 0.00001.
gnomAD v4.1: 9 of 1,614,178 alleles (0.00056%); highest among the groups gnomAD compares: Middle Eastern, 0.016%; no homozygotes.

Submissions (5):

Ambry Genetics
Classification: Benign for Hereditary cancer-predisposing syndrome. Last evaluated: 2026-07-30. Review status: criteria provided, single submitter. Criteria: Ambry Variant Classification Scheme 2023. Collection method: clinical testing. Allele origin: germline.

Labcorp Genetics (formerly Invitae), Labcorp
Classification: Likely benign for Tuberous sclerosis 1. Last evaluated: 2025-07-15. Review status: criteria provided, single submitter. Criteria: Invitae Variant Classification Sherloc (09022015). Collection method: clinical testing. Allele origin: germline.

All of Us Research Program, National Institutes of Health
Classification: Uncertain significance for Tuberous sclerosis syndrome. Last evaluated: 2023-05-31. Review status: criteria provided, single submitter. Criteria: ACMG Guidelines, 2015. Collection method: clinical testing. Allele origin: germline. Inheritance: Autosomal dominant inheritance. Observed: 1 variant allele, 1 heterozygote.
Comment: This missense variant replaces proline with leucine at codon 1145 of the TSC1 protein. Computational prediction suggests that this variant may not impact protein structure and function (internally defined REVEL score threshold <= 0.5, PMID: 27666373). A transfection-based functional study measuring TSC1 abundance, and downstream p70 S6 kinase (S6K) phosphorylation indicated that this variant does not disrupt TSC1 protein function (PMID: 22903760) . This variant has not been reported in individuals affected with hereditary cancer in the literature. This variant has been identified in 2/251390 chromosomes in the general population by the Genome Aggregation Database (gnomAD). The available evidence is insufficient to determine the role of this variant in disease conclusively. Therefore, this variant is classified as a Variant of Uncertain Significance.

This study involves interpretation of variants in research participants for the purpose of population health screening. Participant phenotype was not available at the time of variant classification. Additional details can be found in publication PMID: 35346344, PMCID: PMC8962531

Genome-Nilou Lab
Classification: Uncertain significance for Tuberous sclerosis 1. Last evaluated: 2021-11-07. Review status: criteria provided, single submitter. Criteria: ACMG Guidelines, 2015. Collection method: clinical testing. Allele origin: germline. Affected: no.

Sema4
Classification: Uncertain significance for Hereditary cancer-predisposing syndrome. Last evaluated: 2021-09-13. Review status: criteria provided, single submitter. Criteria: Sema4 Curation Guidelines. Collection method: curation. Allele origin: germline.
Comment: The TSC1 c.3434C>T (p.P1145L) variant has not been reported in literature to our knowledge. This variant was observed in 1/30616 chromosomes in the South Asian population according to the Genome Aggregation Database (PMID: 32461654). This variant has been reported in ClinVar (Variation ID 534453). Functional studies have not been performed, and in silico predictions of the variant's effect on protein function are inconclusive. The overall evidence is insufficient to meet ACMG/AMP criteria for classifying it as benign or pathogenic. In summary, the clinical significance of this variant is currently uncertain.

Literature cited by the submitters: PubMed 22903760 (cited by All of Us Research Program, National Institutes of Health).